The following is an entry in ClinVar:

ClinVar aggregate classification (germline): Uncertain significance (1 of 4 stars; one submission).

Conditions:
PHIP-related disorder. Also called: PHIP-related condition; PHIP-related disorders.

gnomAD v4.1: 3 of 1,600,606 alleles (0.00019%); highest among the groups gnomAD compares: African/African-American, 0.0027%; no homozygotes.

Submission:

PreventionGenetics, part of Exact Sciences
Classification: Uncertain significance for PHIP-related condition. Last evaluated: 2026-08-07. Review status: criteria provided, single submitter. Criteria: ACMG Guidelines, 2015. Collection method: clinical testing. Allele origin: germline.
Comment: The PHIP c.2714A>G variant is predicted to result in the amino acid substitution p.Glu905Gly. To our knowledge, this variant has not been reported in the literature. This variant is reported in 0.0064% of alleles in individuals of African descent in gnomAD. At this time, the clinical significance of this variant is uncertain due to the absence of conclusive functional and genetic evidence.

NM_017934.7(PHIP):c.2714A>G (p.Glu905Gly)

Gene: PHIP (PHIP subunit of CUL4-Ring ligase complex; minus strand). Cytogenetic location: 6q14.1.
Variant type: single nucleotide variant.
Coding change: c.2714A>G on transcript NM_017934.7 (MANE Select); coding-DNA position 2714, A replaced by G.
Protein change: p.Glu905Gly; replaces glutamic acid 905 with glycine.
Molecular consequence: missense variant.
Genome position (GRCh38, 1-based): chr6:78,982,941, T>C on the plus strand (A>G on the coding strand, the complement: PHIP is on the minus strand). VCF-style: chr6-78982941-T-C. GRCh37 (hg19) VCF-style: chr6-79692658-T-C.
Other names: short protein forms E905G.
Identifiers: ClinVar variation 4991346 (VCV004991346.1).